The following is an entry in ClinVar:

ClinVar aggregate classification (germline): Pathogenic. Review status: reviewed by expert panel (3 of 4 stars). 5 submissions from 5 submitters: Pathogenic (1). 4 of the submissions do not count toward it. Last evaluated 2023-08-25.

Conditions:
CDH1-related diffuse gastric and lobular breast cancer syndrome. Also called: CDH1-related diffuse gastric and lobular breast cancer. Identifiers: MedGen CN311521, MONDO:0100488.
Hereditary cancer-predisposing syndrome. Also called: Neoplastic Syndromes, Hereditary; Hereditary neoplastic syndrome; Tumor predisposition; Hereditary Cancer Syndrome. Identifiers: Orphanet 140162, MedGen C0027672, MeSH D009386, MONDO:0015356.
Hereditary diffuse gastric adenocarcinoma (HDGC). Also called: DIFFUSE GASTRIC AND LOBULAR BREAST CANCER SYNDROME. Identifiers: Orphanet 26106, MedGen C1708349, MONDO:0007648, OMIM 137215.

Submissions (5):

Clingen Gastric Cancer Variant Curation Expert Panel
Classification: Pathogenic for CDH1-related diffuse gastric and lobular breast cancer syndrome. Last evaluated: 2023-08-25. Review status: reviewed by expert panel. Criteria: ClinGen CDH1 ACMG Specifications V3.1. Collection method: curation. Allele origin: germline. Inheritance: Autosomal dominant inheritance.
Comment: The c.454_460delCAGAAGA p.(Gln152Glufs) variant is predicted to result in a premature stop codon that leads to a truncated or absent protein (PVS1, PM5_Supporting). The variant is absent in the gnomAD cohort (PM2_Supporting). This variant has been reported in at least one family meeting HDGC clinical criteria (PS4_Supporting; PMID: 26182300). Therefore, this variant meets criteria to be classified as pathogenic based on the ACMG/AMP criteria applied as specified by the CDH1 Variant Curation Expert Panel (Variant Interpretation Guidelines Version 3.1): PVS1, PM2_Supporting, PS4_Supporting, PM5_Supporting.

Ambry Genetics
Classification: Pathogenic for Hereditary cancer-predisposing syndrome. Last evaluated: 2023-12-22. Review status: criteria provided, single submitter. Criteria: Ambry Variant Classification Scheme 2023. Collection method: clinical testing. Allele origin: germline. Not counted in ClinVar's aggregate classification.
Comment: The c.454_460delCAGAAGA pathogenic mutation, located in coding exon 4 of the CDH1 gene, results from a deletion of 7 nucleotides at nucleotide positions 454 to 460, causing a translational frameshift with a predicted alternate stop codon (p.Q152Efs*61). This variant has been observed in a study of patients with Hereditary Diffuse Gastric Cancer; This variant is considered to be rare based on population cohorts in the Genome Aggregation Database (gnomAD). In addition to the clinical data presented in the literature, this alteration is expected to result in loss of function by premature protein truncation or nonsense-mediated mRNA decay. As such, this alteration is interpreted as a disease-causing mutation.

Myriad Genetics, Inc.
Classification: Pathogenic for Hereditary diffuse gastric adenocarcinoma. Last evaluated: 2023-06-08. Review status: criteria provided, single submitter. Criteria: Myriad Autosomal Dominant, Autosomal Recessive and X-Linked Classification Criteria (2023). Collection method: clinical testing. Allele origin: unknown. Not counted in ClinVar's aggregate classification.
Comment: This variant is considered pathogenic. This variant creates a frameshift predicted to result in premature protein truncation.

Labcorp Genetics (formerly Invitae), Labcorp
Classification: Pathogenic for Hereditary diffuse gastric adenocarcinoma. Last evaluated: 2020-06-13. Review status: criteria provided, single submitter. Criteria: Invitae Variant Classification Sherloc (09022015). Collection method: clinical testing. Allele origin: germline. Not counted in ClinVar's aggregate classification.
Comment: For these reasons, this variant has been classified as Pathogenic. Loss-of-function variants in CDH1 are known to be pathogenic (PMID: 15235021, 20373070). This variant has been observed in individual(s) with diffuse gastric cancer (PMID: 26182300). This variant is also known as c.447_453delCAGAAGA in the literature. ClinVar contains an entry for this variant (Variation ID: 545785). This variant is not present in population databases (ExAC no frequency). This sequence change creates a premature translational stop signal (p.Gln152Glufs*61) in the CDH1 gene. It is expected to result in an absent or disrupted protein product.

GeneDx
Classification: Likely pathogenic. Last evaluated: 2017-08-07. Review status: criteria provided, single submitter. Criteria: GeneDx Variant Classification (06012015). Collection method: clinical testing. Allele origin: germline. Affected: yes. Not counted in ClinVar's aggregate classification.
Comment: This deletion of seven nucleotides in CDH1 is denoted c.454_460delCAGAAGA at the cDNA level and p.Gln152GlufsX61 (Q152EfsX61) at the protein level. The normal sequence, with the bases that are deleted in brackets, is AAGA[delCAGAAGA]GAGA. The deletion causes a frameshift which changes a Glutamine to a Glutamic Acid at codon 152, and creates a premature stop codon at position 61 of the new reading frame. This variant is predicted to cause loss of normal protein function through either protein truncation or nonsense-mediated mRNA decay. CDH1 c.454_460delCAGAAGA, also published as c.447_453delCAGAAGA using alternate nomenclature, has been observed in at least one proband with diffuse gastric cancer and a family history of gastric cancer (Hansford 2015). Based on the currently available information, we consider this deletion to be a likely pathogenic variant.

Literature cited by the submitters: PubMed 26182300 (cited by 3 submitters); PubMed 15235021 (cited by Labcorp Genetics (formerly Invitae), Labcorp); PubMed 20373070 (cited by Labcorp Genetics (formerly Invitae), Labcorp).

NM_004360.5(CDH1):c.454_460del (p.Gln152fs)

Gene: CDH1 (cadherin 1; plus strand). Cytogenetic location: 16q22.1.
Variant type: Microsatellite.
Coding change: c.454_460del on transcript NM_004360.5 (MANE Select); coding-DNA positions 454 to 460, 7 bases deleted (CAGAAGA; older notation c.454_460delCAGAAGA).
Protein change: p.Gln152fs; shifts the reading frame from glutamine 152.
Molecular consequence: frameshift variant. On other transcripts: 5 prime UTR variant (2).
Genome position (GRCh38, 1-based): chr16:68,808,490-68,808,496, CAGAAGA deleted; deleting any 7 consecutive bases within chr16:68,808,483-68,808,496 gives the same sequence; the c. name uses the placement nearest the transcript's 3' end. VCF-style (leftmost placement, unchanged base first): chr16-68808482-TCAGAAGA-T. GRCh37 (hg19) VCF-style: chr16-68842385-TCAGAAGA-T.
Other names: c.454_460del, p.Gln152fs (NM_001317184.2); c.-1169CAGAAGA[1] (NM_001317185.2); c.-1373CAGAAGA[1] (NM_001317186.2); short protein forms Q152fs.
Identifiers: ClinVar variation 545785 (VCV000545785.17), dbSNP rs1131690815, ClinGen allele CA658824982.